The following is an entry in ClinVar:

NM_032043.3(BRIP1):c.1116T>A (p.Leu372=)

Gene: BRIP1 (BRCA1 interacting DNA helicase 1; minus strand). Cytogenetic location: 17q23.2.
Variant type: single nucleotide variant.
Coding change: c.1116T>A on transcript NM_032043.3 (MANE Select); coding-DNA position 1116, T replaced by A.
Protein change: p.Leu372=; no amino-acid change (leucine 372 retained).
Molecular consequence: synonymous variant.
Genome position (GRCh38, 1-based): chr17:61,801,277, A>T on the plus strand (T>A on the coding strand, the complement: BRIP1 is on the minus strand). VCF-style: chr17-61801277-A-T. GRCh37 (hg19) VCF-style: chr17-59878638-A-T.
Identifiers: ClinVar variation 2943441 (VCV002943441.4), dbSNP rs2077986700, ClinGen allele CA501151758.

ClinVar aggregate classification (germline): Benign/Likely benign. Review status: criteria provided, multiple submitters, no conflicts (2 of 4 stars). 2 submissions from 2 submitters: Benign (1); Likely benign (1). Last evaluated 2024-08-23.

Conditions:
Familial cancer of breast. Also called: BREAST CANCER, FAMILIAL; Hereditary breast cancer; hereditary breast carcinoma. Identifiers: Orphanet 227535, MedGen C0346153, MONDO:0016419, OMIM 114480. Disease mechanism: loss of function.
Fanconi anemia complementation group J. Also called: BRIP1-Related Fanconi Anemia. Identifiers: Orphanet 84, MedGen C1836860, MONDO:0012187, OMIM 609054.

Submissions (2):

Myriad Genetics, Inc.
Classification: Benign for Familial cancer of breast. Last evaluated: 2024-08-23. Review status: criteria provided, single submitter. Criteria: Myriad Autosomal Dominant, Autosomal Recessive and X-Linked Classification Criteria (2023). Collection method: clinical testing. Allele origin: unknown.
Comment: This variant is considered benign. This variant is a silent/synonymous amino acid change and it is not expected to impact splicing.

Labcorp Genetics (formerly Invitae), Labcorp
Classification: Likely benign for Familial cancer of breast; Fanconi anemia complementation group J. Last evaluated: 2023-01-20. Review status: criteria provided, single submitter. Criteria: Invitae Variant Classification Sherloc (09022015). Collection method: clinical testing. Allele origin: germline.